The following is an entry in ClinVar:

ClinVar aggregate classification (germline): Uncertain significance (1 of 4 stars; one submission).

Submission:

Labcorp Genetics (formerly Invitae), Labcorp
Classification: Uncertain significance for Combined immunodeficiency due to DOCK8 deficiency. Last evaluated: 2020-12-04. Review status: criteria provided, single submitter. Criteria: Invitae Variant Classification Sherloc (09022015). Collection method: clinical testing. Allele origin: germline.
Comment: This sequence change replaces alanine with proline at codon 577 of the DOCK8 protein (p.Ala577Pro). The alanine residue is moderately conserved and there is a small physicochemical difference between alanine and proline. This variant is not present in population databases (ExAC no frequency). This variant has not been reported in the literature in individuals with DOCK8-related conditions. Algorithms developed to predict the effect of missense changes on protein structure and function are either unavailable or do not agree on the potential impact of this missense change (SIFT: "Tolerated"; PolyPhen-2: "Possibly Damaging"; Align-GVGD: "Class C0"). In summary, the available evidence is currently insufficient to determine the role of this variant in disease. Therefore, it has been classified as a Variant of Uncertain Significance.

NM_203447.4(DOCK8):c.1729G>C (p.Ala577Pro)

Gene: DOCK8 (dedicator of cytokinesis 8; plus strand). Cytogenetic location: 9p24.3.
Variant type: single nucleotide variant.
Coding change: c.1729G>C on transcript NM_203447.4 (MANE Select); coding-DNA position 1729, G replaced by C.
Protein change: p.Ala577Pro; replaces alanine 577 with proline.
Molecular consequence: missense variant.
Genome position (GRCh38, 1-based): chr9:368,067, G>C. VCF-style: chr9-368067-G-C. GRCh37 (hg19) VCF-style: chr9-368067-G-C.
Other names: c.1525G>C, p.Ala509Pro (NM_001190458.2, NM_001193536.2); short protein forms A509P, A577P.
Identifiers: ClinVar variation 1491114 (VCV001491114.7), dbSNP rs759393585, ClinGen allele CA372759565.